The following is an entry in ClinVar:

ClinVar aggregate classification (germline): Likely pathogenic (1 of 4 stars; one submission).

Submission:

Labcorp Genetics (formerly Invitae), Labcorp
Classification: Likely pathogenic. Last evaluated: 2023-06-28. Review status: criteria provided, single submitter. Criteria: Invitae Variant Classification Sherloc (09022015). Collection method: clinical testing. Allele origin: germline.
Comment: This variant results in the deletion of part of exon 54 (c.7581_7652+1028del) of the VPS13A gene. It is expected to disrupt RNA splicing. Variants that disrupt the donor or acceptor splice site typically lead to a loss of protein function (PMID: 16199547), and loss-of-function variants in VPS13A are known to be pathogenic (PMID: 12404112, 21598378). In summary, the currently available evidence indicates that the variant is pathogenic, but additional data are needed to prove that conclusively. Therefore, this variant has been classified as Likely Pathogenic. This variant has not been reported in the literature in individuals affected with VPS13A-related conditions.

Literature cited by the submitters: PubMed 16199547; PubMed 12404112; PubMed 21598378.

NC_000009.11:g.(?_79968430)_(79969529_?)del

Gene: VPS13A (vacuolar protein sorting 13 homolog A; plus strand). Cytogenetic location: 9q21.2.
Variant type: Deletion.
Identifiers: ClinVar variation 1345705 (VCV001345705.4).